The following is an entry in ClinVar:

ClinVar aggregate classification (germline): Uncertain significance. Review status: criteria provided, single submitter (1 of 4 stars). 2 submissions from 2 submitters: Uncertain significance (1). 1 of the submissions does not count toward it. Last evaluated 2026-01-13.

Conditions:
Tyrosinemia type II (TYRSN2). Also called: KERATOSIS PALMOPLANTARIS WITH CORNEAL DYSTROPHY; OREGON TYPE TYROSINEMIA; TAT DEFICIENCY; TYROSINE AMINOTRANSFERASE DEFICIENCY; TYROSINE TRANSAMINASE DEFICIENCY. Identifiers: Orphanet 28378, MedGen C0268487, MONDO:0010160, OMIM 276600.

Allele frequency attached by ClinVar (database versions not stated): gnomAD exomes below 0.00001 and 0.00002; ExAC 0.00002.

Submissions (2):

Myriad Genetics, Inc.
Classification: Uncertain significance for Tyrosinemia type II. Last evaluated: 2026-01-13. Review status: criteria provided, single submitter. Criteria: Myriad Autosomal Dominant, Autosomal Recessive and X-Linked Classification Criteria (2023). Collection method: clinical testing. Allele origin: unknown.
Comment: NM_000353.2(TAT):c.-12-1G>A is a variant in a canonical splice site classified as a variant of uncertain significance in the context of tyrosinemia type II. c.-12-1G>A has not been observed in cases with relevant disease. Relevant functional assessments of this variant are not available in the literature. c.-12-1G>A has been observed in referenced population frequency databases. In summary, there is insufficient evidence to classify NM_000353.2(TAT):c.-12-1G>A as pathogenic or benign. Please note: this variant was assessed in the context of healthy population screening.

Counsyl
Classification: Uncertain significance for Tyrosinemia type II. Last evaluated: 2017-05-03. Review status: no assertion criteria provided. Collection method: clinical testing. Allele origin: unknown. Not counted in ClinVar's aggregate classification.

NM_000353.3(TAT):c.-12-1G>A

Gene: TAT (tyrosine aminotransferase; minus strand). Cytogenetic location: 16q22.2.
Variant type: single nucleotide variant.
Coding change: c.-12-1G>A on transcript NM_000353.3 (MANE Select); the canonical splice acceptor site of the intron before 12 bases upstream of the start codon, G replaced by A.
Molecular consequence: splice acceptor variant.
Genome position (GRCh38, 1-based): chr16:71,576,428, C>T on the plus strand (G>A on the coding strand, the complement: TAT is on the minus strand). VCF-style: chr16-71576428-C-T. GRCh37 (hg19) VCF-style: chr16-71610331-C-T.
Identifiers: ClinVar variation 551655 (VCV000551655.3), dbSNP rs777389158, ClinGen allele CA8154112.